The following is an entry in ClinVar:

ClinVar aggregate classification (germline): Pathogenic (1 of 4 stars; one submission).

Conditions:
Immunodeficiency 37 (IMD37). Identifiers: MedGen C4015195, MONDO:0014491, OMIM 616098.

Submission:

Labcorp Genetics (formerly Invitae), Labcorp
Classification: Pathogenic for Immunodeficiency 37. Last evaluated: 2022-06-27. Review status: criteria provided, single submitter. Criteria: Invitae Variant Classification Sherloc (09022015). Collection method: clinical testing. Allele origin: germline.
Comment: This sequence change creates a premature translational stop signal (p.Gln73*) in the BCL10 gene. It is expected to result in an absent or disrupted protein product. Loss-of-function variants in BCL10 are known to be pathogenic (PMID: 25365219, 32008135). This variant is not present in population databases (gnomAD no frequency). This variant has not been reported in the literature in individuals affected with BCL10-related conditions. For these reasons, this variant has been classified as Pathogenic.

Literature cited by the submitters: PubMed 25365219; PubMed 32008135.

NM_003921.5(BCL10):c.217C>T (p.Gln73Ter)

Gene: BCL10 (BCL10 immune signaling adaptor; minus strand). Cytogenetic location: 1p22.3.
Variant type: single nucleotide variant.
Coding change: c.217C>T on transcript NM_003921.5 (MANE Select); coding-DNA position 217, C replaced by T.
Protein change: p.Gln73Ter; replaces glutamine 73 with a stop codon.
Molecular consequence: nonsense.
Genome position (GRCh38, 1-based): chr1:85,270,747, G>A on the plus strand (C>T on the coding strand, the complement: BCL10 is on the minus strand). VCF-style: chr1-85270747-G-A. GRCh37 (hg19) VCF-style: chr1-85736430-G-A.
Other names: c.217C>T, p.Gln73Ter (NM_001320715.2); short protein forms Q73*.
Identifiers: ClinVar variation 2086361 (VCV002086361.1), dbSNP rs1660349948, ClinGen allele CA340951584.
Genomic context (GRCh38, chr1:85,270,747, plus strand): 5'-TCTGTGTTTTTTCTCGCCGAATAGATTCAACAAGGGTGTCCAGACCTTTTGGGTTTTCCT[G>A]TAAGTAGTCTAACAATTTTCCAGCCCTTTTTCTACTTGATGTTCGACAAGAAATTTCTTC-3'